The following is an entry in ClinVar:

ClinVar aggregate classification (germline): Uncertain significance (1 of 4 stars; one submission).

Conditions:
Cardiovascular phenotype. Identifiers: MedGen CN230736.

Allele frequency attached by ClinVar (database versions not stated): gnomAD exomes below 0.00001.
gnomAD v4.1: 1 of 1,551,654 alleles (0.000064%); highest among the groups gnomAD compares: Admixed American, 0.002%; no homozygotes.

Submission:

Ambry Genetics
Classification: Uncertain significance for Cardiovascular phenotype. Last evaluated: 2023-11-30. Review status: criteria provided, single submitter. Criteria: Ambry Variant Classification Scheme 2023. Collection method: clinical testing. Allele origin: germline.
Comment: The p.S660R variant (also known as c.1980C>A), located in coding exon 9 of the RBM20 gene, results from a C to A substitution at nucleotide position 1980. The serine at codon 660 is replaced by arginine, an amino acid with dissimilar properties. This amino acid position is conserved. In addition, the in silico prediction for this alteration is inconclusive. Since supporting evidence is limited at this time, the clinical significance of this alteration remains unclear.

NM_001134363.3(RBM20):c.1980C>A (p.Ser660Arg)

Gene: RBM20 (RNA binding motif protein 20; plus strand). Cytogenetic location: 10q25.2.
Variant type: single nucleotide variant.
Coding change: c.1980C>A on transcript NM_001134363.3 (MANE Select); coding-DNA position 1980, C replaced by A.
Protein change: p.Ser660Arg; replaces serine 660 with arginine.
Molecular consequence: missense variant.
Genome position (GRCh38, 1-based): chr10:110,812,377, C>A. VCF-style: chr10-110812377-C-A. GRCh37 (hg19) VCF-style: chr10-112572135-C-A.
Other names: short protein forms S660R.
Identifiers: ClinVar variation 3233202 (VCV003233202.1), dbSNP rs2493473196, ClinGen allele CA378370679.
Genomic context (GRCh38, chr10:110,812,377, plus strand): 5'-CCGGTCACTCTCCCCGAGGTCCCACACTCCCAGCTTCACCTCCTGCAGCTCTTCCCACAG[C>A]CCTCCGGGCCCCTCCCGGGCTGACTGGGGCAATGGCCGGGACTCCTGGGAGCACTCTCCC-3'
Protein context (NP_001127835.2, residues 650-670): PSFTSCSSSH[Ser660Arg]PPGPSRADWG